The following is an entry in ClinVar:

ClinVar aggregate classification (germline): Conflicting classifications of pathogenicity. Review status: criteria provided, conflicting classifications (1 of 4 stars). 6 submissions from 6 submitters: Uncertain significance (1); Benign (1); Likely benign (4). Last evaluated 2025-12-24.

Conditions:
Cardiovascular phenotype. Identifiers: MedGen CN230736.
RASopathy. Also called: Noonan spectrum disorder; rasopathies. Identifiers: Orphanet 536391, MedGen C5555857, MONDO:0021060.
Noonan syndrome 4 (NS4). Also called: SOS1-Related Noonan Syndrome; NOONAN SYNDROME WITH PIGMENTED VILLONODULAR SYNOVITIS. Identifiers: Orphanet 648, MedGen C1853120, MONDO:0012547, OMIM 610733.

Allele frequency attached by ClinVar (database versions not stated): gnomAD exomes 0.00001; ExAC 0.00002; gnomAD 0.00003 and 0.00004; TOPMed 0.00003; ESP Exome Variant Server 0.00008.
gnomAD v4.1: 17 of 1,612,440 alleles (0.0011%); highest among the groups gnomAD compares: African/African-American, 0.0094%; no homozygotes.

Submissions (6):

Labcorp Genetics (formerly Invitae), Labcorp
Classification: Benign for RASopathy. Last evaluated: 2025-12-24. Review status: criteria provided, single submitter. Criteria: Invitae Variant Classification Sherloc (09022015). Collection method: clinical testing. Allele origin: germline.

Genomic Medicine Center of Excellence, King Faisal Specialist Hospital and Research Centre
Classification: Likely benign for Noonan syndrome 4. Last evaluated: 2025-09-10. Review status: criteria provided, single submitter. Criteria: ACMG Guidelines, 2015. Collection method: clinical testing. Allele origin: germline.

Blueprint Genetics
Classification: Likely benign. Last evaluated: 2023-09-18. Review status: criteria provided, single submitter. Criteria: ACMG Guidelines, 2015. Collection method: clinical testing. Allele origin: germline.

Revvity Omics, Revvity
Classification: Uncertain significance. Last evaluated: 2020-10-02. Review status: criteria provided, single submitter. Criteria: ACMG Guidelines, 2015. Collection method: clinical testing. Allele origin: germline.

Ambry Genetics
Classification: Likely benign for Cardiovascular phenotype. Last evaluated: 2019-12-03. Review status: criteria provided, single submitter. Criteria: Ambry Variant Classification Scheme 2023. Collection method: clinical testing. Allele origin: germline.

GeneDx
Classification: Likely benign. Last evaluated: 2018-03-19. Review status: criteria provided, single submitter. Criteria: GeneDx Variant Classification (06012015). Collection method: clinical testing. Allele origin: germline. Affected: yes.
Comment: This variant is considered likely benign or benign based on one or more of the following criteria: it is a conservative change, it occurs at a poorly conserved position in the protein, it is predicted to be benign by multiple in silico algorithms, and/or has population frequency not consistent with disease.

NM_005633.4(SOS1):c.115G>A (p.Glu39Lys)

Gene: SOS1 (SOS Ras/Rac guanine nucleotide exchange factor 1; minus strand). Cytogenetic location: 2p22.1.
Variant type: single nucleotide variant.
Coding change: c.115G>A on transcript NM_005633.4 (MANE Select); coding-DNA position 115, G replaced by A.
Protein change: p.Glu39Lys; replaces glutamic acid 39 with lysine.
Molecular consequence: missense variant.
Genome position (GRCh38, 1-based): chr2:39,067,726, C>T on the plus strand (G>A on the coding strand, the complement: SOS1 is on the minus strand). VCF-style: chr2-39067726-C-T. GRCh37 (hg19) VCF-style: chr2-39294867-C-T.
Other names: c.94G>A, p.Glu32Lys (NM_001382394.1); c.115G>A, p.Glu39Lys (NM_001382395.1); short protein forms E39K, E32K.
Identifiers: ClinVar variation 561754 (VCV000561754.15), dbSNP rs375934353, ClinGen allele CA1624856.